The following is an entry in ClinVar:

ClinVar aggregate classification (germline): Uncertain significance. Review status: criteria provided, multiple submitters, no conflicts (2 of 4 stars). 2 submissions from 2 submitters: Uncertain significance (2). Last evaluated 2025-05-15.

Conditions:
Emery-Dreifuss muscular dystrophy (EDMD). Also called: Scapuloperoneal syndrome, X-linked (formerly); Humeroperoneal neuromuscular disease, (formerly). Identifiers: Orphanet 261, MedGen C0410189, MONDO:0016830.

Allele frequency attached by ClinVar (database versions not stated): gnomAD exomes 0.00002 and 0.00003; TOPMed 0.00002; ExAC 0.00003; gnomAD 0.00004; 1000 Genomes Project 30x 0.00016; 1000 Genomes Project 0.00020.
gnomAD v4.1: 38 of 1,613,172 alleles (0.0024%); highest among the groups gnomAD compares: African/African-American, 0.0067%; no homozygotes.

Submissions (2):

Ambry Genetics
Classification: Uncertain significance. Last evaluated: 2025-05-15. Review status: criteria provided, single submitter. Criteria: Ambry Variant Classification Scheme 2023. Collection method: clinical testing. Allele origin: germline.

Labcorp Genetics (formerly Invitae), Labcorp
Classification: Uncertain significance for Emery-Dreifuss muscular dystrophy. Last evaluated: 2021-11-02. Review status: criteria provided, single submitter. Criteria: Invitae Variant Classification Sherloc (09022015). Collection method: clinical testing. Allele origin: germline.
Comment: In summary, the available evidence is currently insufficient to determine the role of this variant in disease. Therefore, it has been classified as a Variant of Uncertain Significance. Algorithms developed to predict the effect of missense changes on protein structure and function are either unavailable or do not agree on the potential impact of this missense change (SIFT: "Tolerated"; PolyPhen-2: "Probably Damaging"; Align-GVGD: "Class C0"). This variant has not been reported in the literature in individuals affected with SUN2-related conditions. This variant is present in population databases (rs539760038, gnomAD 0.02%). This sequence change replaces arginine, which is basic and polar, with histidine, which is basic and polar, at codon 538 of the SUN2 protein (p.Arg538His).

NM_015374.3(SUN2):c.1613G>A (p.Arg538His)

Genes: GTPBP1 (GTP binding protein 1; plus strand), SUN2 (Sad1 and UNC84 domain containing 2; minus strand). Cytogenetic location: 22q13.1.
Variant type: single nucleotide variant.
Coding change: c.1613G>A on transcript NM_015374.3 (MANE Select); coding-DNA position 1613, G replaced by A.
Protein change: p.Arg538His; replaces arginine 538 with histidine.
Molecular consequence: missense variant.
Genome position (GRCh38, 1-based): chr22:38,739,392, C>T on the plus strand (G>A on the coding strand, the complement: SUN2 is on the minus strand). VCF-style: chr22-38739392-C-T. GRCh37 (hg19) VCF-style: chr22-39135397-C-T.
Other names: c.1676G>A, p.Arg559His (NM_001199579.2, NM_001394428.1); c.1613G>A, p.Arg538His (NM_001199580.2, NM_001394431.1, NM_001394432.1 and 3 more transcripts); c.1706G>A, p.Arg569His (NM_001394427.1); c.1658G>A, p.Arg553His (NM_001394429.1, NM_001394430.1); c.1214G>A, p.Arg405His (NM_001394442.1); c.1121G>A, p.Arg374His (NM_001394443.1); c.1037G>A, p.Arg346His (NM_001394444.1, NM_001394445.1); c.1613G>A (NM_015374.2); and 3 more; short protein forms R405H, R508H, R346H, R374H, R492H, R553H, R559H, R569H.
Identifiers: ClinVar variation 1348951 (VCV001348951.7), dbSNP rs539760038, ClinGen allele CA10235495.